The following is an entry in ClinVar:

NM_031935.3(HMCN1):c.4391C>T (p.Ser1464Leu)

Gene: HMCN1 (hemicentin 1; plus strand). Cytogenetic location: 1q31.1.
Variant type: single nucleotide variant.
Coding change: c.4391C>T on transcript NM_031935.3 (MANE Select); coding-DNA position 4391, C replaced by T.
Protein change: p.Ser1464Leu; replaces serine 1464 with leucine.
Molecular consequence: missense variant.
Genome position (GRCh38, 1-based): chr1:186,003,760, C>T. VCF-style: chr1-186003760-C-T. GRCh37 (hg19) VCF-style: chr1-185972892-C-T.
Other names: short protein forms S1464L.
Identifiers: ClinVar variation 4692982 (VCV004692982.1).
Genomic context (GRCh38, chr1:186,003,760, plus strand): 5'-ACACTGTCTTTGTTCAAGTTCCACCCACCATAATAGGTACCAACTTCCCAAATGAAGTCT[C>T]AGTTGTCCTCAACCGTGACGTCGCCCTTGAATGCCAGGTCAAAGGCACTCCCTTTCCTGA-3'
Protein context (NP_114141.2, residues 1454-1474): IIGTNFPNEV[Ser1464Leu]VVLNRDVALE

ClinVar aggregate classification (germline): Uncertain significance (1 of 4 stars; one submission).

gnomAD v4.1: 4 of 1,613,160 alleles (0.00025%); highest among the groups gnomAD compares: African/African-American, 0.0027%; no homozygotes.

Submission:

Labcorp Genetics (formerly Invitae), Labcorp
Classification: Uncertain significance. Last evaluated: 2025-08-02. Review status: criteria provided, single submitter. Criteria: Invitae Variant Classification Sherloc (09022015). Collection method: clinical testing. Allele origin: germline.
Comment: This sequence change replaces serine, which is neutral and polar, with leucine, which is neutral and non-polar, at codon 1464 of the HMCN1 protein (p.Ser1464Leu). This variant is present in population databases (rs542417554, gnomAD 0.007%). This variant has not been reported in the literature in individuals affected with HMCN1-related conditions. An algorithm developed to predict the effect of missense changes on protein structure and function (PolyPhen-2) suggests that this variant is likely to be disruptive. In summary, the available evidence is currently insufficient to determine the role of this variant in disease. Therefore, it has been classified as a Variant of Uncertain Significance.